The following is an entry in ClinVar:

NM_007294.4(BRCA1):c.5048A>C (p.Glu1683Ala)

Gene: BRCA1 (BRCA1 DNA repair associated; minus strand). Cytogenetic location: 17q21.31.
Variant type: single nucleotide variant.
Coding change: c.5048A>C on transcript NM_007294.4 (MANE Select); coding-DNA position 5048, A replaced by C.
Protein change: p.Glu1683Ala; replaces glutamic acid 1683 with alanine.
Molecular consequence: missense variant. On other transcripts: non-coding transcript variant (1).
Genome position (GRCh38, 1-based): chr17:43,067,634, T>G on the plus strand (A>C on the coding strand, the complement: BRCA1 is on the minus strand). VCF-style: chr17-43067634-T-G. GRCh37 (hg19) VCF-style: chr17-41219651-T-G.
Other names: c.4835A>C, p.Glu1612Ala (NM_001407571.1, NM_001407894.1, NM_001407895.1 and 12 more transcripts); c.5114A>C, p.Glu1705Ala (NM_001407581.1, NM_001407582.1); c.5111A>C, p.Glu1704Ala (NM_001407583.1, NM_001407585.1, NM_001407587.1 and 1 more transcripts); c.5108A>C, p.Glu1703Ala (NM_001407590.1, NM_001407591.1); c.5048A>C, p.Glu1683Ala (NM_001407593.1, NM_001407594.1, NM_001407596.1 and 8 more transcripts); c.5045A>C, p.Glu1682Ala (NM_001407610.1, NM_001407621.1, NM_001407622.1 and 17 more transcripts); c.5042A>C, p.Glu1681Ala (NM_001407627.1, NM_001407628.1, NM_001407629.1 and 14 more transcripts); c.5039A>C, p.Glu1680Ala (NM_001407644.1, NM_001407645.1); and 70 more; short protein forms E1636A, E1683A, E1704A, E579A, E1514A, E1554A, E1555A, E1593A.
Identifiers: ClinVar variation 868561 (VCV000868561.3), dbSNP rs1597825787, ClinGen allele CA10591423.

Conditions:
Breast-ovarian cancer, familial, susceptibility to, 1 (BROVCA1). Also called: BRCA1 Hereditary Breast and Ovarian Cancer; OVARIAN CANCER, SUSCEPTIBILITY TO. Identifiers: Orphanet 145, MedGen C2676676, MONDO:0011450, OMIM 604370. Disease mechanism: loss of function.

Submission:

Brotman Baty Institute, University of Washington
No classification provided (evidence only). Condition: Breast-ovarian cancer, familial 1. Review status: no classification provided. Collection method: in vitro. Allele origin: not applicable. Functional consequence: functionally_normal.
ClinVar note: "not provided" was previously submitted as the classification for the variant. However, the classification appeared to be based only on an observation of functional data so it was converted to no classification on 2025-07-30.